The following is an entry in ClinVar:

ClinVar aggregate classification (germline): Uncertain significance. Review status: criteria provided, multiple submitters, no conflicts (2 of 4 stars). 5 submissions from 5 submitters: Uncertain significance (5). Last evaluated 2026-02-20.

Conditions:
Rhabdoid tumor predisposition syndrome 2 (RTPS2). Identifiers: Orphanet 231108, Orphanet 69077, MedGen C2750074, MONDO:0013224, OMIM 613325.
Hereditary cancer-predisposing syndrome. Also called: Tumor predisposition; Hereditary neoplastic syndrome; Hereditary Cancer Syndrome; Neoplastic Syndromes, Hereditary. Identifiers: Orphanet 140162, MedGen C0027672, MeSH D009386, MONDO:0015356.
Intellectual disability, autosomal dominant 16 (CSS4). Also called: COFFIN-SIRIS SYNDROME 4. Identifiers: Orphanet 1465, MedGen C3553249, MONDO:0013821, OMIM 614609.

Submissions (5):

Ambry Genetics
Classification: Uncertain significance for Hereditary cancer-predisposing syndrome. Last evaluated: 2026-02-20. Review status: criteria provided, single submitter. Criteria: Ambry Variant Classification Scheme 2023. Collection method: clinical testing. Allele origin: germline.
Comment: The c.1813-6_1813-4delTTT intronic variant, located in intron 10 of the SMARCA4 gene, results from a deletion of 3 nucleotides within intron 10 of the SMARCA4 gene. This nucleotide region is well conserved in available vertebrate species. Using the BDGP and ESEfinder splice site prediction tools, this alteration is predicted to abolish the native splice acceptor site; however, direct evidence is unavailable. Since supporting evidence is limited at this time, the clinical significance of this alteration remains unclear.

Labcorp Genetics (formerly Invitae), Labcorp
Classification: Uncertain significance for Rhabdoid tumor predisposition syndrome 2. Last evaluated: 2025-11-03. Review status: criteria provided, single submitter. Criteria: Invitae Variant Classification Sherloc (09022015). Collection method: clinical testing. Allele origin: germline.
Comment: This sequence change falls in intron 11 of the SMARCA4 gene. It does not directly change the encoded amino acid sequence of the SMARCA4 protein. This variant is not present in population databases (gnomAD no frequency). This variant has not been reported in the literature in individuals affected with SMARCA4-related conditions. ClinVar contains an entry for this variant (Variation ID: 945571). Studies have shown that this variant is associated with inconclusive levels of altered splicing (internal data). In summary, the available evidence is currently insufficient to determine the role of this variant in disease. Therefore, it has been classified as a Variant of Uncertain Significance.

St. Jude Molecular Pathology, St. Jude Children's Research Hospital
Classification: Uncertain significance for Rhabdoid tumor predisposition syndrome 2. Last evaluated: 2022-10-25. Review status: criteria provided, single submitter. Criteria: St. Jude Assertion Criteria 2020. Collection method: clinical testing. Allele origin: germline.
Comment: The SMARCA4 c.1813-6_1813-4del change deletes three nucleotides in intron 11 of the SMARCA4 gene. It is absent in gnomAD v2.1.1. Algorithms that predict the impact of sequence changes on splicing are not conclusive as to whether or not this variant affects splicing and loss of function of the resulting protein product. Internal data suggests that this variant does not impact splicing. To our knowledge, this variant has not been reported in individuals with rhabdoid tumor predisposition syndrome. In summary, the evidence currently available is insufficient to determine the clinical significance of this variant. It has therefore been classified as of uncertain significance.

Genome-Nilou Lab
Classification: Uncertain significance for Intellectual disability, autosomal dominant 16. Last evaluated: 2021-07-15. Review status: criteria provided, single submitter. Criteria: ACMG Guidelines, 2015. Collection method: clinical testing. Allele origin: germline. Affected: no.

GeneDx
Classification: Uncertain significance. Last evaluated: 2020-12-03. Review status: criteria provided, single submitter. Criteria: GeneDx Variant Classification Process June 2021. Collection method: clinical testing. Allele origin: germline. Affected: yes.
Comment: Not observed in large population cohorts (Lek 2016); In silico analysis supports a deleterious effect on splicing; Has not been previously published as pathogenic or benign to our knowledge

NM_003072.5(SMARCA4):c.1813-6_1813-4del

Gene: SMARCA4 (SWI/SNF related BAF chromatin remodeling complex subunit ATPase 4; plus strand). Cytogenetic location: 19p13.2.
Variant type: Deletion.
Coding change: c.1813-6_1813-4del on transcript NM_003072.5 (MANE Select); 6 bases into the intron before coding-DNA position 1813 through 4 bases into the intron before coding-DNA position 1813, 3 bases deleted (TTT; older notation c.1813-6_1813-4delTTT).
Molecular consequence: intron variant.
Genome position (GRCh38, 1-based): chr19:11,003,023-11,003,025, TTT deleted; deleting any 3 consecutive bases within chr19:11,003,021-11,003,025 gives the same sequence; the c. name uses the placement nearest the transcript's 3' end. VCF-style (leftmost placement, unchanged base first): chr19-11003020-CTTT-C. GRCh37 (hg19) VCF-style: chr19-11113696-CTTT-C.
Other names: c.1813-6_1813-4del (NM_001128844.3, NM_001128849.3, NM_001128847.4 and 4 more transcripts); c.1813-6_1813-4delTTT (NM_001128849.1).
Identifiers: ClinVar variation 945571 (VCV000945571.17), dbSNP rs1864896196, ClinGen allele CA993507952.